The following is an entry in ClinVar:

NM_000089.4(COL1A2):c.2737G>A (p.Gly913Ser)

Gene: COL1A2 (collagen type I alpha 2 chain; plus strand). Cytogenetic location: 7q21.3.
Variant type: single nucleotide variant.
Coding change: c.2737G>A on transcript NM_000089.4 (MANE Select); coding-DNA position 2737, G replaced by A.
Protein change: p.Gly913Ser; replaces glycine 913 with serine.
Molecular consequence: missense variant.
Genome position (GRCh38, 1-based): chr7:94,425,180, G>A. VCF-style: chr7-94425180-G-A. GRCh37 (hg19) VCF-style: chr7-94054492-G-A.
Other names: short protein forms G913S.
Identifiers: ClinVar variation 1702191 (VCV001702191.6), dbSNP rs1305819869, ClinGen allele CA368224507.
Genomic context (GRCh38, chr7:94,425,180, plus strand): 5'-GAACCTGGTCCTCTTGGCATTGCCGGCCCTCCTGGGGCCCGTGGTCCTCCTGGTGCTGTG[G>A]GTAGTCCTGGAGTCAACGGTGCTCCTGGTGAAGCTGGTCGTGATGTGAGTCCAACACTTG-3'
Protein context (NP_000080.2, residues 903-923): PGARGPPGAV[Gly913Ser]SPGVNGAPGE

ClinVar aggregate classification (germline): Likely pathogenic. Review status: criteria provided, multiple submitters, no conflicts (2 of 4 stars). 2 submissions from 2 submitters: Likely pathogenic (2). Last evaluated 2023-03-17.

Conditions:
Ehlers-Danlos syndrome (EDS). Identifiers: Orphanet 98249, MedGen C0013720, MONDO:0020066.
Ehlers-Danlos syndrome, classic type, 1 (EDSCL1). Also called: EDS I; Ehlers-Danlos syndrome, type 1; EHLERS-DANLOS SYNDROME, GRAVIS TYPE; EHLERS-DANLOS SYNDROME, SEVERE CLASSIC TYPE; Ehlers-Danlos Syndrome, Classic Type, COL5A1-Related. Identifiers: MedGen C0268335, MONDO:0019567, OMIM 130000.
Osteogenesis imperfecta type I (OI1). Also called: Osteogenesis imperfecta type 1; Lobstein's Disease; OI, TYPE I; OSTEOGENESIS IMPERFECTA TARDA; OSTEOGENESIS IMPERFECTA WITH BLUE SCLERAE; Lobstein disease. Identifiers: Orphanet 216796, Orphanet 666, MedGen C0023931, MONDO:0008146, OMIM 166200. Disease mechanism: loss of function.

Allele frequency attached by ClinVar (database versions not stated): gnomAD exomes 0.00001; TOPMed below 0.00001.
gnomAD v4.1: 19 of 1,614,162 alleles (0.0012%); highest among the groups gnomAD compares: Admixed American, 0.0017%; no homozygotes.

Submissions (2):

Labcorp Genetics (formerly Invitae), Labcorp
Classification: Likely pathogenic for Osteogenesis imperfecta type I; Ehlers-Danlos syndrome, classic type, 1. Last evaluated: 2023-03-17. Review status: criteria provided, single submitter. Criteria: Invitae Variant Classification Sherloc (09022015). Collection method: clinical testing. Allele origin: germline.
Comment: This variant has not been reported in the literature in individuals affected with COL1A2-related conditions. In summary, the currently available evidence indicates that the variant is pathogenic, but additional data are needed to prove that conclusively. Therefore, this variant has been classified as Likely Pathogenic. This variant disrupts the triple helix domain of COL1A2. Glycine residues within the Gly-Xaa-Yaa repeats of the triple helix domain are required for the structure and stability of fibrillar collagens (PMID: 7695699, 8218237, 19344236). In COL1A2, variants affecting these glycine residues are significantly enriched in individuals with disease (PMID: 9016532, 17078022) compared to the general population (ExAC). Advanced modeling of protein sequence and biophysical properties (such as structural, functional, and spatial information, amino acid conservation, physicochemical variation, residue mobility, and thermodynamic stability) performed at Invitae indicates that this missense variant is expected to disrupt COL1A2 protein function. ClinVar contains an entry for this variant (Variation ID: 1702191). This variant is not present in population databases (gnomAD no frequency). This sequence change replaces glycine, which is neutral and non-polar, with serine, which is neutral and polar, at codon 913 of the COL1A2 protein (p.Gly913Ser).

Genome Diagnostics Laboratory, The Hospital for Sick Children
Classification: Likely pathogenic for Ehlers-Danlos syndrome. Last evaluated: 2020-01-01. Review status: criteria provided, single submitter. Criteria: ACMG Guidelines, 2015. Collection method: clinical testing. Allele origin: germline.

Literature cited by the submitters: PubMed 7695699 (cited by Labcorp Genetics (formerly Invitae), Labcorp); PubMed 8218237 (cited by Labcorp Genetics (formerly Invitae), Labcorp); PubMed 19344236 (cited by Labcorp Genetics (formerly Invitae), Labcorp); PubMed 9016532 (cited by Labcorp Genetics (formerly Invitae), Labcorp); PubMed 17078022 (cited by Labcorp Genetics (formerly Invitae), Labcorp).